The following is an entry in ClinVar:

ClinVar aggregate classification (germline): Benign. Review status: criteria provided, multiple submitters, no conflicts (2 of 4 stars). 3 submissions from 3 submitters: Benign (3). Last evaluated 2026-02-04.

Conditions:
Immunodeficiency 132A. Also called: Herpes simplex encephalitis, susceptibility to, 3. Identifiers: Orphanet 1930, MedGen C3553868, MONDO:0013920, OMIM 614849.

Allele frequency attached by ClinVar (database versions not stated): gnomAD 0.35237 and 0.36350; 1000 Genomes Project 0.39976; gnomAD exomes 0.26719 and 0.21470; ExAC 0.26732; ESP Exome Variant Server 0.35522; TOPMed 0.38043; 1000 Genomes Project 30x 0.40662.
gnomAD v4.1: 368,406 of 1,612,234 alleles (23%); highest among the groups gnomAD compares: African/African-American, 69%; 53,729 homozygotes.

Submissions (3):

Labcorp Genetics (formerly Invitae), Labcorp
Classification: Benign for Immunodeficiency 132A. Last evaluated: 2026-02-04. Review status: criteria provided, single submitter. Criteria: Invitae Variant Classification Sherloc (09022015). Collection method: clinical testing. Allele origin: germline.

Unidad de Genómica Garrahan, Hospital de Pediatría Garrahan
Classification: Benign. Last evaluated: 2024-01-24. Review status: criteria provided, single submitter. Criteria: ACMG Guidelines, 2015. Collection method: clinical testing. Allele origin: germline. Affected: no. Observed: 52 variant alleles.
Comment: This variant is classified as Benign based on local population frequency. This variant was detected in 55% of patients studied by a panel of primary immunodeficiencies. Number of patients: 52. Only high quality variants are reported.

Breakthrough Genomics
Classification: Benign. Review status: criteria provided, single submitter. Criteria: ACMG Guidelines, 2015. Collection method: not provided. Allele origin: germline. Inheritance: Unknown mechanism. Affected: yes.

NM_145725.3(TRAF3):c.297+19T>A

Gene: TRAF3 (TNF receptor associated factor 3; plus strand). Cytogenetic location: 14q32.32.
Variant type: single nucleotide variant.
Coding change: c.297+19T>A on transcript NM_145725.3 (MANE Select); 19 bases into the intron after coding-DNA position 297, T replaced by A.
Molecular consequence: intron variant.
Genome position (GRCh38, 1-based): chr14:102,871,987, T>A. VCF-style: chr14-102871987-T-A. GRCh37 (hg19) VCF-style: chr14-103338324-T-A.
Other names: c.297+19T>A (NM_001385142.1, NM_145726.3, NM_001385143.1 and 2 more transcripts).
Identifiers: ClinVar variation 1168169 (VCV001168169.12), dbSNP rs2295402, ClinGen allele CA7359217.